The following is an entry in ClinVar:

ClinVar aggregate classification (germline): Uncertain significance (1 of 4 stars; one submission).

Conditions:
Cardiovascular phenotype. Identifiers: MedGen CN230736.
Hereditary cancer-predisposing syndrome. Also called: Neoplastic Syndromes, Hereditary; Tumor predisposition; Hereditary Cancer Syndrome; Hereditary neoplastic syndrome. Identifiers: Orphanet 140162, MedGen C0027672, MeSH D009386, MONDO:0015356.

Submission:

Ambry Genetics
Classification: Uncertain significance for Cardiovascular phenotype; Hereditary cancer-predisposing syndrome. Last evaluated: 2026-06-12. Review status: criteria provided, single submitter. Criteria: Ambry Variant Classification Scheme 2023. Collection method: clinical testing. Allele origin: germline.
Comment: The p.C904R variant (also known as c.2710T>C), located in coding exon 21 of the NF1 gene, results from a T to C substitution at nucleotide position 2710. The cysteine at codon 904 is replaced by arginine, an amino acid with highly dissimilar properties. This amino acid position is conserved. In addition, this alteration is predicted to be deleterious by in silico analysis. Based on the available evidence, the clinical significance of this variant remains unclear.

NM_001042492.3(NF1):c.2710T>C (p.Cys904Arg)

Gene: NF1 (neurofibromin 1; plus strand). Cytogenetic location: 17q11.2.
Variant type: single nucleotide variant.
Coding change: c.2710T>C on transcript NM_001042492.3 (MANE Select); coding-DNA position 2710, T replaced by C.
Protein change: p.Cys904Arg; replaces cysteine 904 with arginine.
Molecular consequence: missense variant.
Genome position (GRCh38, 1-based): chr17:31,229,325, T>C. VCF-style: chr17-31229325-T-C. GRCh37 (hg19) VCF-style: chr17-29556343-T-C.
Other names: c.2710T>C, p.Cys904Arg (NM_000267.4); short protein forms C904R.
Identifiers: ClinVar variation 4861001 (VCV004861001.1).
Genomic context (GRCh38, chr17:31,229,325, plus strand): 5'-GAGGGAAACGCAGATACACCTGTCAGCAAATTTATGGATCGGCTGTTGTCCTTAATGGTG[T>C]GTAACCATGAGAAAGTGGGACTTCAAATACGGACCAATGTTAAGGATCTGGTGGGTCTAG-3'
Protein context (NP_001035957.1, residues 894-914): FMDRLLSLMV[Cys904Arg]NHEKVGLQIR